The following is an entry in ClinVar:

NM_004526.4(MCM2):c.762G>C (p.Glu254Asp)

Gene: MCM2 (minichromosome maintenance complex component 2; plus strand). Cytogenetic location: 3q21.3.
Variant type: single nucleotide variant.
Coding change: c.762G>C on transcript NM_004526.4 (MANE Select); coding-DNA position 762, G replaced by C.
Protein change: p.Glu254Asp; replaces glutamic acid 254 with aspartic acid.
Molecular consequence: missense variant. On other transcripts: non-coding transcript variant (1).
Genome position (GRCh38, 1-based): chr3:127,606,206, G>C. VCF-style: chr3-127606206-G-C. GRCh37 (hg19) VCF-style: chr3-127325049-G-C.
Other names: short protein forms E254D.
Identifiers: ClinVar variation 2010177 (VCV002010177.4), dbSNP rs756282063, ClinGen allele CA354384378.
Genomic context (GRCh38, chr3:127,606,206, plus strand): 5'-TGAGGACTTGGCAGCCAGGGAGCACGTGCTGGCCTACTTCCTGCCTGAGGCACCGGCGGA[G>C]CTGCTGCAGATCTTTGATGAGGCTGCCCTGGAGGTGGTACTGGCCATGTACCCCAAGTAC-3'
Protein context (NP_004517.2, residues 244-264): LAYFLPEAPA[Glu254Asp]LLQIFDEAAL

ClinVar aggregate classification (germline): Uncertain significance (1 of 4 stars; one submission).

Allele frequency attached by ClinVar (database versions not stated): TOPMed below 0.00001; gnomAD 0.00001.
gnomAD v4.1: 1 of 1,614,116 alleles (0.000062%); highest among the groups gnomAD compares: Admixed American, 0.0017%; no homozygotes.

Submission:

Labcorp Genetics (formerly Invitae), Labcorp
Classification: Uncertain significance. Last evaluated: 2022-06-24. Review status: criteria provided, single submitter. Criteria: Invitae Variant Classification Sherloc (09022015). Collection method: clinical testing. Allele origin: germline.
Comment: In summary, the available evidence is currently insufficient to determine the role of this variant in disease. Therefore, it has been classified as a Variant of Uncertain Significance. Algorithms developed to predict the effect of missense changes on protein structure and function are either unavailable or do not agree on the potential impact of this missense change (SIFT: "Deleterious"; PolyPhen-2: "Possibly Damaging"; Align-GVGD: "Class C0"). This variant has not been reported in the literature in individuals affected with MCM2-related conditions. This variant is present in population databases (no rsID available, gnomAD 0.1%). This sequence change replaces glutamic acid, which is acidic and polar, with aspartic acid, which is acidic and polar, at codon 254 of the MCM2 protein (p.Glu254Asp).